The following is an entry in ClinVar:

ClinVar aggregate classification (germline): Uncertain significance (1 of 4 stars; one submission).

Submission:

GeneDx
Classification: Uncertain significance. Last evaluated: 2025-05-07. Review status: criteria provided, single submitter. Criteria: GeneDx Variant Classification Process June 2021. Collection method: clinical testing. Allele origin: germline. Affected: yes.
Comment: Not observed at significant frequency in large population cohorts (gnomAD); In silico analysis supports that this missense variant has a deleterious effect on protein structure/function; Has not been previously published as pathogenic or benign to our knowledge.

NM_001128840.3(CACNA1D):c.4057G>C (p.Val1353Leu)

Gene: CACNA1D (calcium voltage-gated channel subunit alpha1 D; plus strand). Cytogenetic location: 3p21.1.
Variant type: single nucleotide variant.
Coding change: c.4057G>C on transcript NM_001128840.3 (MANE Select); coding-DNA position 4057, G replaced by C.
Protein change: p.Val1353Leu; replaces valine 1353 with leucine.
Molecular consequence: missense variant.
Genome position (GRCh38, 1-based): chr3:53,772,845, G>C. VCF-style: chr3-53772845-G-C. GRCh37 (hg19) VCF-style: chr3-53806872-G-C.
Other names: c.4117G>C, p.Val1373Leu (NM_000720.4); c.4012G>C, p.Val1338Leu (NM_001128839.3); short protein forms V1338L, V1353L, V1373L.
Identifiers: ClinVar variation 4527982 (VCV004527982.1).